The following is an entry in ClinVar:

NM_001035.3(RYR2):c.2948T>G (p.Leu983Arg)

Gene: RYR2 (ryanodine receptor 2; plus strand). Cytogenetic location: 1q43.
Variant type: single nucleotide variant.
Coding change: c.2948T>G on transcript NM_001035.3 (MANE Select); coding-DNA position 2948, T replaced by G.
Protein change: p.Leu983Arg; replaces leucine 983 with arginine.
Molecular consequence: missense variant.
Genome position (GRCh38, 1-based): chr1:237,548,472, T>G. VCF-style: chr1-237548472-T-G. GRCh37 (hg19) VCF-style: chr1-237711772-T-G.
Other names: short protein forms L983R.
Identifiers: ClinVar variation 857484 (VCV000857484.2), dbSNP rs1670048479, ClinGen allele CA345393508.
Genomic context (GRCh38, chr1:237,548,472, plus strand): 5'-CTTTGTCTCTGATTTGTAGTTACCAGCTGACAAGTGGATACAAGCCTGCCCCTATGGACC[T>G]GAGCTTTATCAAACTCACCCCATCACAAGAAGCAATGGTGGACAAGTTGGCAGAAAATGC-3'
Protein context (NP_001026.2, residues 973-993): TSGYKPAPMD[Leu983Arg]SFIKLTPSQE

ClinVar aggregate classification (germline): Uncertain significance (1 of 4 stars; one submission).

Conditions:
Catecholaminergic polymorphic ventricular tachycardia (CVPT). Also called: Catecholamine-induced polymorphic ventricular tachycardia. Identifiers: Orphanet 3286, MedGen C5574922, MONDO:0017990.

Submission:

Labcorp Genetics (formerly Invitae), Labcorp
Classification: Uncertain significance for Catecholaminergic polymorphic ventricular tachycardia. Last evaluated: 2019-04-05. Review status: criteria provided, single submitter. Criteria: Invitae Variant Classification Sherloc (09022015). Collection method: clinical testing. Allele origin: germline.
Comment: This sequence change replaces leucine with arginine at codon 983 of the RYR2 protein (p.Leu983Arg). The leucine residue is highly conserved and there is a moderate physicochemical difference between leucine and arginine. This variant is not present in population databases (ExAC no frequency). This variant has not been reported in the literature in individuals with RYR2-related conditions. Algorithms developed to predict the effect of missense changes on protein structure and function (SIFT, PolyPhen-2, Align-GVGD) all suggest that this variant is likely to be disruptive, but these predictions have not been confirmed by published functional studies and their clinical significance is uncertain. In summary, the available evidence is currently insufficient to determine the role of this variant in disease. Therefore, it has been classified as a Variant of Uncertain Significance.